The following is an entry in ClinVar:

NM_000744.7(CHRNA4):c.380A>G (p.Asn127Ser)

Genes: CHRNA4 (cholinergic receptor nicotinic alpha 4 subunit; minus strand), LOC126863087 (P300/CBP strongly-dependent group 1 enhancer GRCh37_chr20:61986832-61988031; plus strand). Cytogenetic location: 20q13.33.
Variant type: single nucleotide variant.
Coding change: c.380A>G on transcript NM_000744.7 (MANE Select); coding-DNA position 380, A replaced by G.
Protein change: p.Asn127Ser; replaces asparagine 127 with serine.
Molecular consequence: missense variant. On other transcripts: 5 prime UTR variant (1), non-coding transcript variant (1).
Genome position (GRCh38, 1-based): chr20:63,355,978, T>C on the plus strand (A>G on the coding strand, the complement: CHRNA4 is on the minus strand). VCF-style: chr20-63355978-T-C. GRCh37 (hg19) VCF-style: chr20-61987330-T-C.
Other names: c.380A>G (NM_000744.5); c.-167A>G (NM_001256573.2); short protein forms N127S.
Identifiers: ClinVar variation 2749398 (VCV002749398.4), dbSNP rs2516562151, ClinGen allele CA409641016.
Genomic context (GRCh38, chr20:63,355,978, plus strand): 5'-TGGCCACTCCTGCCCACCAAGGCCCTGTAGAGGACTCACTTGTTGTAGAGGACTCACTTG[T>C]TGTAGAGGACGATGTCCGGCCGCCAGATGAGCTCGGAGGGGATGCGGATGGAGGTGACAT-3'
Protein context (NP_000735.1, residues 117-137): LIWRPDIVLY[Asn127Ser]NADGDFAVTH

ClinVar aggregate classification (germline): Uncertain significance. Review status: criteria provided, multiple submitters, no conflicts (2 of 4 stars). 2 submissions from 2 submitters: Uncertain significance (2). Last evaluated 2024-02-08.

Conditions:
Familial sleep-related hypermotor epilepsy. Also called: Autosomal Dominant Sleep-Related Hypermotor (Hyperkinetic) Epilepsy. Identifiers: Orphanet 98784, MedGen C3696898, MONDO:0000030.

Allele frequency attached by ClinVar (database versions not stated): gnomAD exomes below 0.00001.
gnomAD v4.1: 1 of 1,610,582 alleles (0.000062%); highest among the groups gnomAD compares: East Asian, 0.0022%; no homozygotes.

Submissions (2):

GeneDx
Classification: Uncertain significance. Last evaluated: 2024-02-08. Review status: criteria provided, single submitter. Criteria: GeneDx Variant Classification Process June 2021. Collection method: clinical testing. Allele origin: germline. Affected: yes.
Comment: Not observed at significant frequency in large population cohorts (gnomAD); In silico analysis supports that this missense variant has a deleterious effect on protein structure/function; Has not been previously published as pathogenic or benign to our knowledge

Labcorp Genetics (formerly Invitae), Labcorp
Classification: Uncertain significance. Last evaluated: 2023-05-30. Review status: criteria provided, single submitter. Criteria: Invitae Variant Classification Sherloc (09022015). Collection method: clinical testing. Allele origin: germline.
Comment: In summary, the available evidence is currently insufficient to determine the role of this variant in disease. Therefore, it has been classified as a Variant of Uncertain Significance. This sequence change replaces asparagine, which is neutral and polar, with serine, which is neutral and polar, at codon 127 of the CHRNA4 protein (p.Asn127Ser). This variant is not present in population databases (gnomAD no frequency). This variant has not been reported in the literature in individuals affected with CHRNA4-related conditions. Advanced modeling of protein sequence and biophysical properties (such as structural, functional, and spatial information, amino acid conservation, physicochemical variation, residue mobility, and thermodynamic stability) performed at Invitae indicates that this missense variant is expected to disrupt CHRNA4 protein function.